The following is an entry in ClinVar:

NM_001277115.2(DNAH11):c.10381G>A (p.Asp3461Asn)

Gene: DNAH11 (dynein axonemal heavy chain 11; plus strand). Cytogenetic location: 7p15.3.
Variant type: single nucleotide variant.
Coding change: c.10381G>A on transcript NM_001277115.2 (MANE Select); coding-DNA position 10381, G replaced by A.
Protein change: p.Asp3461Asn; replaces aspartic acid 3461 with asparagine.
Molecular consequence: missense variant.
Genome position (GRCh38, 1-based): chr7:21,816,515, G>A. VCF-style: chr7-21816515-G-A. GRCh37 (hg19) VCF-style: chr7-21856133-G-A.
Other names: short protein forms D3461N.
Identifiers: ClinVar variation 843427 (VCV000843427.7), dbSNP rs1789799061, ClinGen allele CA366948195.
Genomic context (GRCh38, chr7:21,816,515, plus strand): 5'-CTGATTTTAAAGGTTTCCATTCCACTAACCGAAGGCCTGGACTTGATATCCATGTTGACG[G>A]ATGATGCTACAATTGCCGCCTGGAATAACGAAGGACTGCCCAGTGACAGAATGTCCACCG-3'
Protein context (NP_001264044.1, residues 3451-3471): EGLDLISMLT[Asp3461Asn]DATIAAWNNE

ClinVar aggregate classification (germline): Uncertain significance (1 of 4 stars; one submission).

Conditions:
Primary ciliary dyskinesia. Also called: Ciliary dyskinesia. Identifiers: Orphanet 244, MedGen C0008780, MONDO:0016575, HP:0012265.

Submission:

Labcorp Genetics (formerly Invitae), Labcorp
Classification: Uncertain significance for Primary ciliary dyskinesia. Last evaluated: 2024-02-17. Review status: criteria provided, single submitter. Criteria: Invitae Variant Classification Sherloc (09022015). Collection method: clinical testing. Allele origin: germline.
Comment: This sequence change replaces aspartic acid, which is acidic and polar, with asparagine, which is neutral and polar, at codon 3461 of the DNAH11 protein (p.Asp3461Asn). This variant is not present in population databases (gnomAD no frequency). This variant has not been reported in the literature in individuals affected with DNAH11-related conditions. ClinVar contains an entry for this variant (Variation ID: 843427). Advanced modeling of protein sequence and biophysical properties (such as structural, functional, and spatial information, amino acid conservation, physicochemical variation, residue mobility, and thermodynamic stability) performed at Invitae indicates that this missense variant is not expected to disrupt DNAH11 protein function with a negative predictive value of 95%. In summary, the available evidence is currently insufficient to determine the role of this variant in disease. Therefore, it has been classified as a Variant of Uncertain Significance.